The following is an entry in ClinVar:

ClinVar aggregate classification (germline): Uncertain significance (1 of 4 stars; one submission).

Submission:

Ambry Genetics
Classification: Uncertain significance. Last evaluated: 2024-05-29. Review status: criteria provided, single submitter. Criteria: Ambry Variant Classification Scheme 2023. Collection method: clinical testing. Allele origin: germline.
Comment: The p.E497K variant (also known as c.1489G>A), located in coding exon 13 of the NPAT gene, results from a G to A substitution at nucleotide position 1489. The glutamic acid at codon 497 is replaced by lysine, an amino acid with similar properties. This amino acid position is conserved. In addition, this alteration is predicted to be tolerated by in silico analysis. Based on the available evidence, the clinical significance of this variant remains unclear.

NM_002519.3(NPAT):c.1489G>A (p.Glu497Lys)

Gene: NPAT (nuclear protein, coactivator of histone transcription; minus strand). Cytogenetic location: 11q22.3.
Variant type: single nucleotide variant.
Coding change: c.1489G>A on transcript NM_002519.3 (MANE Select); coding-DNA position 1489, G replaced by A.
Protein change: p.Glu497Lys; replaces glutamic acid 497 with lysine.
Molecular consequence: missense variant.
Genome position (GRCh38, 1-based): chr11:108,173,495, C>T on the plus strand (G>A on the coding strand, the complement: NPAT is on the minus strand). VCF-style: chr11-108173495-C-T. GRCh37 (hg19) VCF-style: chr11-108044222-C-T.
Other names: c.1489G>A, p.Glu497Lys (NM_001321307.1); short protein forms E497K.
Identifiers: ClinVar variation 3300703 (VCV003300703.1).